The following is an entry in ClinVar:

NM_015474.4(SAMHD1):c.1511A>C (p.Asn504Thr)

Gene: SAMHD1 (SAM and HD domain containing deoxynucleoside triphosphate triphosphohydrolase 1; minus strand). Cytogenetic location: 20q11.23.
Variant type: single nucleotide variant.
Coding change: c.1511A>C on transcript NM_015474.4 (MANE Select); coding-DNA position 1511, A replaced by C.
Protein change: p.Asn504Thr; replaces asparagine 504 with threonine.
Molecular consequence: missense variant. On other transcripts: intron variant (1).
Genome position (GRCh38, 1-based): chr20:36,898,537, T>G on the plus strand (A>C on the coding strand, the complement: SAMHD1 is on the minus strand). VCF-style: chr20-36898537-T-G. GRCh37 (hg19) VCF-style: chr20-35526940-T-G.
Other names: c.1511A>C, p.Asn504Thr (NM_001363733.2); c.1504-578A>C (NM_001363729.2); short protein forms N504T.
Identifiers: ClinVar variation 1005901 (VCV001005901.9), dbSNP rs1990240962, ClinGen allele CA408840391.

ClinVar aggregate classification (germline): Uncertain significance (1 of 4 stars; one submission).

Conditions:
Aicardi-Goutieres syndrome 5. Identifiers: Orphanet 51, MedGen C2749659, MONDO:0013059, OMIM 612952.

Allele frequency attached by ClinVar (database versions not stated): gnomAD exomes below 0.00001.
gnomAD v4.1: 1 of 1,612,486 alleles (0.000062%); highest among the groups gnomAD compares: Non-Finnish European, 0.000085%; no homozygotes.

Submission:

Labcorp Genetics (formerly Invitae), Labcorp
Classification: Uncertain significance for Aicardi-Goutieres syndrome 5. Last evaluated: 2020-02-06. Review status: criteria provided, single submitter. Criteria: Invitae Variant Classification Sherloc (09022015). Collection method: clinical testing. Allele origin: germline.
Comment: In summary, the available evidence is currently insufficient to determine the role of this variant in disease. Therefore, it has been classified as a Variant of Uncertain Significance. This variant has not been reported in the literature in individuals with SAMHD1-related conditions. Algorithms developed to predict the effect of missense changes on protein structure and function (SIFT, PolyPhen-2, Align-GVGD) all suggest that this variant is likely to be tolerated, but these predictions have not been confirmed by published functional studies and their clinical significance is uncertain. This variant is not present in population databases (ExAC no frequency). This sequence change replaces asparagine with threonine at codon 504 of the SAMHD1 protein (p.Asn504Thr). The asparagine residue is weakly conserved and there is a small physicochemical difference between asparagine and threonine.